The following is an entry in ClinVar:

ClinVar aggregate classification (germline): Pathogenic. Review status: criteria provided, multiple submitters, no conflicts (2 of 4 stars). 3 submissions from 3 submitters: Pathogenic (3). Last evaluated 2025-10-20.

Conditions:
Early-infantile DEE. Also called: Early infantile epileptic encephalopathy; Ohtahara syndrome; Early infantile epileptic encephalopathy with suppression bursts. Identifiers: Orphanet 1934, MedGen C0393706, MONDO:0800491.
Severe myoclonic epilepsy in infancy (DRVT). Also called: Epileptic encephalopathy, early infantile, 6 (Dravet syndrome); SEVERE MYOCLONIC EPILEPSY OF INFANCY; DEVELOPMENTAL AND EPILEPTIC ENCEPHALOPATHY 6A; Severe Myoclonic Epilepsy in Infancy (SMEI); Dravet syndrome. Identifiers: Orphanet 33069, MedGen C0751122, MONDO:0100135, OMIM 607208.

Submissions (3):

3billion
Classification: Pathogenic for Severe myoclonic epilepsy in infancy. Last evaluated: 2025-10-20. Review status: criteria provided, single submitter. Criteria: ACMG Guidelines, 2015. Collection method: clinical testing. Allele origin: germline. Affected: yes.
Comment: The variant is not observed in the gnomAD v4.1.0 dataset. Predicted Consequence/Location: Stop-gained (nonsense): predicted to result in a loss or disruption of normal protein function through nonsense-mediated decay (NMD) or protein truncation. Multiple pathogenic variants are reported downstream of the variant. The variant has been reported at least twice as pathogenic without evidence for the classification (ClinVar ID: VCV000956504 /PMID: 12754708). Therefore, this variant is classified as Pathogenic according to the recommendation of ACMG/AMP guideline.

Institute of Human Genetics Munich, TUM University Hospital
Classification: Pathogenic for Severe myoclonic epilepsy in infancy. Last evaluated: 2025-03-24. Review status: criteria provided, single submitter. Criteria: Classification criteria August 2017. Collection method: clinical testing. Allele origin: de novo. Inheritance: Autosomal dominant inheritance. Affected: yes. Observed: 1 variant allele.

Labcorp Genetics (formerly Invitae), Labcorp
Classification: Pathogenic for Early-infantile DEE. Last evaluated: 2024-10-15. Review status: criteria provided, single submitter. Criteria: Invitae Variant Classification Sherloc (09022015). Collection method: clinical testing. Allele origin: germline.
Comment: This sequence change creates a premature translational stop signal (p.Trp932*) in the SCN1A gene. It is expected to result in an absent or disrupted protein product. Loss-of-function variants in SCN1A are known to be pathogenic (PMID: 17347258, 18930999). This variant is not present in population databases (gnomAD no frequency). This premature translational stop signal has been observed in individual(s) with Dravet syndrome (PMID: 12754708, 24656210). In at least one individual the variant was observed to be de novo. ClinVar contains an entry for this variant (Variation ID: 956504). For these reasons, this variant has been classified as Pathogenic.

Literature cited by the submitters: PubMed 12754708 (cited by 3billion and Labcorp Genetics (formerly Invitae), Labcorp); PubMed 17347258 (cited by Labcorp Genetics (formerly Invitae), Labcorp); PubMed 18930999 (cited by Labcorp Genetics (formerly Invitae), Labcorp); PubMed 24656210 (cited by Labcorp Genetics (formerly Invitae), Labcorp).

NM_001165963.4(SCN1A):c.2796G>A (p.Trp932Ter)

Gene: SCN1A (sodium voltage-gated channel alpha subunit 1; minus strand). Cytogenetic location: 2q24.3.
Variant type: single nucleotide variant.
Coding change: c.2796G>A on transcript NM_001165963.4 (MANE Select); coding-DNA position 2796, G replaced by A.
Protein change: p.Trp932Ter; replaces tryptophan 932 with a stop codon.
Molecular consequence: nonsense. On other transcripts: non-coding transcript variant (1).
Genome position (GRCh38, 1-based): chr2:166,037,926, C>T on the plus strand (G>A on the coding strand, the complement: SCN1A is on the minus strand). VCF-style: chr2-166037926-C-T. GRCh37 (hg19) VCF-style: chr2-166894436-C-T.
Other names: c.2712G>A, p.Trp904Ter (NM_001165964.3, NM_001353957.2, NM_001353958.2); c.2796G>A, p.Trp932Ter (NM_001202435.3, NM_001353948.2); c.2763G>A, p.Trp921Ter (NM_001353949.2, NM_001353950.2, NM_001353951.2 and 2 more transcripts); c.2760G>A, p.Trp920Ter (NM_001353954.2, NM_001353955.2); c.2709G>A, p.Trp903Ter (NM_001353960.2); c.354G>A, p.Trp118Ter (NM_001353961.2); short protein forms W118*, W903*, W904*, W920*, W921*, W932*.
Identifiers: ClinVar variation 956504 (VCV000956504.16), dbSNP rs1553541303, ClinGen allele CA349061357.